The following is an entry in ClinVar:

NM_144585.4(SLC22A12):c.258C>T (p.His86=)

Gene: SLC22A12 (solute carrier family 22 member 12; plus strand). Cytogenetic location: 11q13.1.
Variant type: single nucleotide variant.
Coding change: c.258C>T on transcript NM_144585.4 (MANE Select); coding-DNA position 258, C replaced by T.
Protein change: p.His86=; no amino-acid change (histidine 86 retained).
Molecular consequence: synonymous variant. On other transcripts: 5 prime UTR variant (1).
Genome position (GRCh38, 1-based): chr11:64,591,814, C>T. VCF-style: chr11-64591814-C-T. GRCh37 (hg19) VCF-style: chr11-64359286-C-T.
Other names: p.His86=; c.258C>T, p.His86= (NM_001276326.2, NM_001276327.2); c.-251C>T (NM_153378.3).
Identifiers: ClinVar variation 305230 (VCV000305230.23), dbSNP rs3825016, ClinGen allele CA6077013.

ClinVar aggregate classification (germline): Benign. Review status: criteria provided, multiple submitters, no conflicts (2 of 4 stars). 7 submissions from 7 submitters: Benign (7). Last evaluated 2026-02-04.

Conditions:
Dalmatian hypouricemia (RHUC1). Identifiers: MedGen C0473219, MONDO:0020728, OMIM 220150.

Allele frequency attached by ClinVar (database versions not stated): 1000 Genomes Project 30x 0.38570; 1000 Genomes Project 0.38718; TOPMed 0.49176; gnomAD 0.50802 and 0.50805; ESP Exome Variant Server 0.53833; gnomAD exomes 0.57422 and 0.66169; ExAC 0.57795.

Submissions (7):

Labcorp Genetics (formerly Invitae), Labcorp
Classification: Benign. Last evaluated: 2026-02-04. Review status: criteria provided, single submitter. Criteria: Invitae Variant Classification Sherloc (09022015). Collection method: clinical testing. Allele origin: germline.

Blueprint Genetics
Classification: Benign. Last evaluated: 2024-11-27. Review status: criteria provided, single submitter. Criteria: ACMG Guidelines, 2015. Collection method: clinical testing. Allele origin: germline.

Mayo Clinic Laboratories, Mayo Clinic
Classification: Benign. Last evaluated: 2022-09-23. Review status: criteria provided, single submitter. Criteria: ACMG Guidelines, 2015. Collection method: clinical testing. Allele origin: germline. Observed: 135 variant alleles.
Comment: BA1, BP4, BP7

Genome-Nilou Lab
Classification: Benign for Dalmatian hypouricemia. Last evaluated: 2021-07-15. Review status: criteria provided, single submitter. Criteria: ACMG Guidelines, 2015. Collection method: clinical testing. Allele origin: germline. Affected: no.

GeneDx
Classification: Benign. Last evaluated: 2018-11-12. Review status: criteria provided, single submitter. Criteria: GeneDx Variant Classification Process June 2021. Collection method: clinical testing. Allele origin: germline. Affected: yes.
Comment: This variant is associated with the following publications: (PMID: 16385546)

Laboratory for Molecular Medicine, Mass General Brigham Personalized Medicine
Classification: Benign. Last evaluated: 2016-03-21. Review status: criteria provided, single submitter. Criteria: LMM Criteria. Collection method: clinical testing. Allele origin: germline. Observed: 3 variant alleles.
Comment: p.His86His in exon 1 of SLC22A12: This variant is not expected to have clinical significance because it does not alter an amino acid residue, is not located wit hin the splice consensus sequence, and has been identified in 69.98% (45710/6532 0) of European chromosomes by the Exome Aggregation Consortium (ExAC; dbSNP rs3825016).

Breakthrough Genomics
Classification: Benign. Review status: criteria provided, single submitter. Criteria: ACMG Guidelines, 2015. Collection method: not provided. Allele origin: germline. Inheritance: Autosomal recessive inheritance. Affected: yes.